The following is an entry in ClinVar:

ClinVar aggregate classification (germline): Uncertain significance. Review status: criteria provided, multiple submitters, no conflicts (2 of 4 stars). 2 submissions from 2 submitters: Uncertain significance (2). Last evaluated 2025-08-22.

Submissions (2):

Ambry Genetics
Classification: Uncertain significance. Last evaluated: 2025-08-22. Review status: criteria provided, single submitter. Criteria: Ambry Variant Classification Scheme 2023. Collection method: clinical testing. Allele origin: germline.
Comment: The p.A566V variant (also known as c.1697C>T), located in coding exon 12 of the RINT1 gene, results from a C to T substitution at nucleotide position 1697. The alanine at codon 566 is replaced by valine, an amino acid with similar properties. This amino acid position is conserved. In addition, this alteration is predicted to be tolerated by in silico analysis. Based on the available evidence, the clinical significance of this variant remains unclear.

Labcorp Genetics (formerly Invitae), Labcorp
Classification: Uncertain significance. Last evaluated: 2023-08-02. Review status: criteria provided, single submitter. Criteria: Invitae Variant Classification Sherloc (09022015). Collection method: clinical testing. Allele origin: germline.
Comment: This variant has not been reported in the literature in individuals affected with RINT1-related conditions. In summary, the available evidence is currently insufficient to determine the role of this variant in disease. Therefore, it has been classified as a Variant of Uncertain Significance. An algorithm developed to predict the effect of missense changes on protein structure and function (PolyPhen-2) suggests that this variant is likely to be tolerated. This variant is not present in population databases (gnomAD no frequency). This sequence change replaces alanine, which is neutral and non-polar, with valine, which is neutral and non-polar, at codon 566 of the RINT1 protein (p.Ala566Val).

NM_021930.6(RINT1):c.1697C>T (p.Ala566Val)

Gene: RINT1 (RAD50 interactor 1; plus strand). Cytogenetic location: 7q22.3.
Variant type: single nucleotide variant.
Coding change: c.1697C>T on transcript NM_021930.6 (MANE Select); coding-DNA position 1697, C replaced by T.
Protein change: p.Ala566Val; replaces alanine 566 with valine.
Molecular consequence: missense variant. On other transcripts: non-coding transcript variant (1).
Genome position (GRCh38, 1-based): chr7:105,563,758, C>T. VCF-style: chr7-105563758-C-T. GRCh37 (hg19) VCF-style: chr7-105204205-C-T.
Other names: c.1463C>T, p.Ala488Val (NM_001346599.2); c.674C>T, p.Ala225Val (NM_001346600.2, NM_001346603.2); c.773C>T, p.Ala258Val (NM_001346601.2); c.1697C>T (NM_021930.4); short protein forms A566V, A225V, A258V, A488V.
Identifiers: ClinVar variation 3000103 (VCV003000103.4), dbSNP rs2133463532, ClinGen allele CA368813529.